The following is an entry in ClinVar:

NM_001002295.2(GATA3):c.858C>A (p.Asn286Lys)

Gene: GATA3 (GATA binding protein 3; plus strand). Cytogenetic location: 10p14.
Variant type: single nucleotide variant.
Coding change: c.858C>A on transcript NM_001002295.2 (MANE Select); coding-DNA position 858, C replaced by A.
Protein change: p.Asn286Lys; replaces asparagine 286 with lysine.
Molecular consequence: missense variant.
Genome position (GRCh38, 1-based): chr10:8,064,072, C>A. VCF-style: chr10-8064072-C-A. GRCh37 (hg19) VCF-style: chr10-8106035-C-A.
Other names: c.855C>A, p.Asn285Lys (NM_002051.3); short protein forms N285K, N286K.
Identifiers: ClinVar variation 1473374 (VCV001473374.8), dbSNP rs781182546, ClinGen allele CA375973540.
Genomic context (GRCh38, chr10:8,064,072, plus strand): 5'-CTGTGGGGCAACCTCGACCCCACTGTGGCGGCGAGATGGCACGGGACACTACCTGTGCAA[C>A]GCCTGCGGGCTCTATCACAAAATGAACGGACAGAACCGGCCCCTCATTAAGCCCAAGCGA-3'
Protein context (NP_001002295.1, residues 276-296): RRDGTGHYLC[Asn286Lys]ACGLYHKMNG

ClinVar aggregate classification (germline): Uncertain significance (1 of 4 stars; one submission).

Submission:

Labcorp Genetics (formerly Invitae), Labcorp
Classification: Uncertain significance. Last evaluated: 2021-02-18. Review status: criteria provided, single submitter. Criteria: Invitae Variant Classification Sherloc (09022015). Collection method: clinical testing. Allele origin: germline.
Comment: This sequence change replaces asparagine with lysine at codon 286 of the GATA3 protein (p.Asn286Lys). The asparagine residue is highly conserved and there is a moderate physicochemical difference between asparagine and lysine. This variant is not present in population databases (ExAC no frequency). This variant has been observed in individual(s) with clinical features of hypoparathyroidism, deafness, and renal dysplasia syndrome (Invitae). Algorithms developed to predict the effect of missense changes on protein structure and function (SIFT, PolyPhen-2, Align-GVGD) all suggest that this variant is likely to be disruptive, but these predictions have not been confirmed by published functional studies and their clinical significance is uncertain. This variant disrupts the p.Asn286 amino acid residue in GATA3. Other variant(s) that disrupt this residue have been observed in individuals with GATA3-related conditions (PMID: 27387476), which suggests that this may be a clinically significant amino acid residue. In summary, the available evidence is currently insufficient to determine the role of this variant in disease. Therefore, it has been classified as a Variant of Uncertain Significance.

Literature cited by the submitters: PubMed 27387476.